The following is an entry in ClinVar:

ClinVar aggregate classification (germline): Uncertain significance. Review status: criteria provided, multiple submitters, no conflicts (2 of 4 stars). 12 submissions from 12 submitters: Uncertain significance (11). 1 of the submissions does not count toward it. Last evaluated 2026-06-25.

Conditions:
ATM-related disorder. Also called: ATM-related disorders; ATM-related condition.
Hereditary cancer-predisposing syndrome. Also called: Neoplastic Syndromes, Hereditary; Hereditary neoplastic syndrome; Tumor predisposition; Hereditary Cancer Syndrome. Identifiers: Orphanet 140162, MedGen C0027672, MeSH D009386, MONDO:0015356.
Breast and/or ovarian cancer. Identifiers: MedGen CN221562.
Ataxia-telangiectasia syndrome (AT). Also called: Ataxia telangiectasia (A-T); Cerebello-oculocutaneous telangiectasia; Immunodeficiency with ataxia telangiectasia; LOUIS-BAR SYNDROME; AT, COMPLEMENTATION GROUP C; ATAXIA-TELANGIECTASIA, FRESNO VARIANT. Identifiers: Orphanet 100, MedGen C0004135, MONDO:0008840, OMIM 208900.
Hereditary breast ovarian cancer syndrome. Also called: BRCA1- and BRCA2-Associated Hereditary Breast and Ovarian Cancer; Hereditary breast and/or ovarian cancer syndrome; Hereditary breast and ovarian cancer syndrome (HBOC); Hereditary breast and ovarian cancer syndrome; Hereditary breast and ovarian cancer; Breast and ovarian cancer. Identifiers: Orphanet 145, MedGen C0677776, MeSH D061325, MONDO:0003582. Disease mechanism: loss of function.
Familial cancer of breast. Also called: hereditary breast carcinoma; Hereditary breast cancer; BREAST CANCER, FAMILIAL. Identifiers: Orphanet 227535, MedGen C0346153, MONDO:0016419, OMIM 114480. Disease mechanism: loss of function.

Allele frequency attached by ClinVar (database versions not stated): TOPMed 0.00001; gnomAD exomes 0.00003.
gnomAD v4.1: 55 of 1,612,064 alleles (0.0034%); highest among the groups gnomAD compares: East Asian, 0.12%; no homozygotes.

Submissions (12):

PreventionGenetics, part of Exact Sciences
Classification: Uncertain significance for ATM-related condition. Last evaluated: 2026-06-25. Review status: criteria provided, single submitter. Criteria: ACMG Guidelines, 2015. Collection method: clinical testing. Allele origin: germline.
Comment: The ATM c.8246A>T variant is predicted to result in the amino acid substitution p.Lys2749Ile. This variant has been reported in individuals with breast and/or ovarian cancer (Table S2, Momozawa et al. 2018. PubMed ID: 30287823; Table S3, de Oliveira et al. 2022. PubMed ID: 35534704; Chrysafi et al. 2023. PubMed ID: 38136308), pancreatic cancer (Ohmoto et al. 2016. PubMed ID: 26692440; Table S1, Fujitani et al. 2023. PubMed ID: 36896836), colorectal cancer (Table S5, Fujita et al. 2020. PubMed ID: 33309985), gastric cancer (Table S3, Zhang et al. 2023. PubMed ID: 36627197), biliary tract cancer (Table S2, Okawa et al. 2022. PubMed ID: 36243179), prostate cancer (So et al. 2022. PubMed ID: 35534218), breast fibroadenomas (Xie et al. 2019. PubMed ID: 30851086), and in unaffected controls (Momozawa et al. 2018. PubMed ID: 30287823; Fujita et al. 2020. PubMed ID: 33309985). This variant is reported in 0.044% of alleles in individuals of East Asian descent in gnomAD, and is interpreted as uncertain in ClinVar (Variation ID: 230416). At this time, the clinical significance of this variant is uncertain due to the absence of conclusive functional and genetic evidence.

Labcorp Genetics (formerly Invitae), Labcorp
Classification: Uncertain significance for Ataxia-telangiectasia syndrome. Last evaluated: 2026-01-31. Review status: criteria provided, single submitter. Criteria: Invitae Variant Classification Sherloc (09022015). Collection method: clinical testing. Allele origin: germline.
Comment: This sequence change replaces lysine, which is basic and polar, with isoleucine, which is neutral and non-polar, at codon 2749 of the ATM protein (p.Lys2749Ile). This variant is present in population databases (rs779145081, gnomAD 0.04%). This missense change has been observed in individual(s) with pancreatic cancer and breast cancer, as well as in unaffected controls (PMID: 26692440, 30287823, 30851086, 35534218, 35534704, 36896836). ClinVar contains an entry for this variant (Variation ID: 230416). Invitae Evidence Modeling of protein sequence and biophysical properties (such as structural, functional, and spatial information, amino acid conservation, physicochemical variation, residue mobility, and thermodynamic stability) indicates that this missense variant is expected to disrupt ATM protein function with a positive predictive value of 95%. In summary, the available evidence is currently insufficient to determine the role of this variant in disease. Therefore, it has been classified as a Variant of Uncertain Significance.

Women's Health and Genetics/Laboratory Corporation of America, LabCorp
Classification: Uncertain significance. Last evaluated: 2025-02-11. Review status: criteria provided, single submitter. Criteria: LabCorp Variant Classification Summary - May 2015. Collection method: clinical testing. Allele origin: germline.
Comment: Variant summary: ATM c.8246A>T (p.Lys2749Ile) results in a non-conservative amino acid change in the encoded protein sequence. Five of five in-silico tools predict a damaging effect of the variant on protein function. The variant allele was found at a frequency of 0.00058 in 345640 control chromosomes, predominantly at a frequency of 0.00044 within the East Asian subpopulation in the gnomAD database. The available data on variant occurrences in the general population are insufficient to allow any conclusion about variant significance. c.8246A>T has been reported in the literature in individuals affected with Pancreatic ductal adenocarcinoma (Ohmoto_2016), breast cancer (Momozawa_2018), breast fibroadenomas (Xie_2019), colorectal cancer (Fujita_2020) and unaffected controls (Momozawa_2018, Fujita_2020). At-least one recent study evaluating population screening for hereditary colorectal cancer classified this variant as benign in the Japanese population (Fujita_2020). To our knowledge, c.8246A>T has not been reported in the literature in individuals affected with Ataxia-Telangiectasia. These report(s) do not provide unequivocal conclusions about association of the variant with Ataxia-Telangiectasia/ATM-associated cancers. To our knowledge, no experimental evidence demonstrating an impact on protein function has been reported. The following publications have been ascertained in the context of this evaluation (PMID: 33309985, 30287823, 26692440, 30851086). ClinVar contains an entry for this variant (Variation ID: 230416). Based on the evidence outlined above, the variant was classified as uncertain significance.

Ambry Genetics
Classification: Uncertain significance for Hereditary cancer-predisposing syndrome. Last evaluated: 2025-01-11. Review status: criteria provided, single submitter. Criteria: Ambry Variant Classification Scheme 2023. Collection method: clinical testing. Allele origin: germline.
Comment: The p.K2749I variant (also known as c.8246A>T), located in coding exon 55 of the ATM gene, results from an A to T substitution at nucleotide position 8246. The lysine at codon 2749 is replaced by isoleucine, an amino acid with dissimilar properties. This alteration was observed in with an allele frequency of 0.00468 in 7051 unselected female breast cancer patients and was observed with an allele frequency of 0.004 in 11241 female controls of Japanese ancestry. In addition, it was not observed in 53 unselected male breast cancer patients and was observed with an allele frequency of 0.0042 in 12490 male controls of Japanese ancestry (Momozawa Y et al. Nat Commun, 2018 10;9:4083). This amino acid position is highly conserved in available vertebrate species. In addition, this alteration is predicted to be deleterious by in silico analysis. Since supporting evidence is limited at this time, the clinical significance of this alteration remains unclear.

Color Diagnostics, LLC DBA Color Health
Classification: Uncertain significance for Hereditary cancer-predisposing syndrome. Last evaluated: 2024-06-03. Review status: criteria provided, single submitter. Criteria: ACMG Guidelines, 2015. Collection method: clinical testing. Allele origin: germline.
Comment: This missense variant replaces lysine with isoleucine at codon 2749 of the ATM protein. Computational prediction suggests that this variant may have deleterious impact on protein structure and function. To our knowledge, functional studies have not been reported for this variant. This variant has been reported in individuals affected with pancreatic cancer (PMID: 26692440), leukemia (PMID: 27959900), nephroblastoma (PMID: 35358259), breast fibroadenoma (PMID: 30851086), or meeting criteria for hereditary breast and ovarian cancer testing (PMID: 38136308). In a colorectal cancer case-control study conducted in Japan, this variant was detected in 46/12503 colorectal cancer cases and 97/23705 controls (PMID: 33309985). In a breast cancer case-control study conducted in Japan, this variant was detected in 45/11241 female controls, 33/7051 female breast cancer cases, 52/12490 male controls, and absent in 53 male breast cancer cases (PMID: 30287823). This variant has also been identified in 8/251016 chromosomes in the general population by the Genome Aggregation Database (gnomAD) and in healthy controls (PMID: 30851086). The available evidence is insufficient to determine the role of this variant in disease conclusively. Therefore, this variant is classified as a Variant of Uncertain Significance.

GeneDx
Classification: Uncertain significance. Last evaluated: 2023-10-03. Review status: criteria provided, single submitter. Criteria: GeneDx Variant Classification Process June 2021. Collection method: clinical testing. Allele origin: germline. Affected: yes.
Comment: Not observed at significant frequency in large population cohorts (gnomAD); In silico analysis supports that this missense variant has a deleterious effect on protein structure/function; Observed in individuals with colorectal cancer, breast cancer, prostate cancer, childhood-onset acute myeloid leukemia, and another with pancreatic cancer, but also in unaffected controls (Wang et al., 2015; Ohmoto et al., 2016; Momozawa et al., 2018; Fujita et al., 2020; So et al., 2022); Stracker TH et al. (2013) Front Genet. 4 :37 (PMID: 23532176); Wang X et al. (2015) Haematologica. 100 (10):e398-401 (PMID: 26022708); Ohmoto A et al. (2016) Pancreas. 45 (7):1056-61 (PMID: 26692440); Momozawa Y et al. (2018) Nat Commun. 9 (1):4083 (PMID: 30287823); Fujita M et al. (2020) Clin Gastroenterol Hepatol. (PMID: 33309985); So MK et al. (2022) Investig Clin Urol. 63 (3):294-300 (PMID: 35534218); This variant is associated with the following publications: (PMID: 26022708, 27959900, 27602761, 26692440, 23532176, 32566746, 35171259, 30851086, 30287823, 35534218, 36243179, 33309985)

Baylor Genetics
Classification: Uncertain significance for Familial cancer of breast. Last evaluated: 2023-09-21. Review status: criteria provided, single submitter. Criteria: ACMG Guidelines, 2015. Collection method: clinical testing. Allele origin: unknown.

CHEO Genetics Diagnostic Laboratory, Children's Hospital of Eastern Ontario
Classification: Uncertain significance for Breast and/or ovarian cancer. Last evaluated: 2023-04-20. Review status: criteria provided, single submitter. Criteria: ACMG Guidelines, 2015. Collection method: clinical testing. Allele origin: germline.

Cancer Genomics Group, Japanese Foundation For Cancer Research
Classification: Uncertain significance for Hereditary breast and ovarian cancer syndrome. Last evaluated: 2019-05-01. Review status: criteria provided, single submitter. Criteria: ACMG Guidelines, 2015. Collection method: research. Allele origin: germline. Affected: yes.

Mendelics
Classification: Uncertain significance for Ataxia-telangiectasia syndrome. Last evaluated: 2018-07-02. Review status: criteria provided, single submitter. Criteria: Mendelics Assertion Criteria 2017. Collection method: clinical testing. Allele origin: unknown.

Illumina Laboratory Services, Illumina
Classification: Uncertain significance for Ataxia-telangiectasia syndrome. Last evaluated: 2018-01-12. Review status: criteria provided, single submitter. Criteria: ICSL Variant Classification Criteria 13 December 2019. Collection method: clinical testing. Allele origin: germline.

Natera, Inc.
Classification: Uncertain significance for Ataxia-telangiectasia. Last evaluated: 2020-09-16. Review status: no assertion criteria provided. Collection method: clinical testing. Allele origin: germline. Not counted in ClinVar's aggregate classification.

Literature cited by the submitters: PubMed 26692440 (cited by 4 submitters); PubMed 30287823 (cited by 4 submitters); PubMed 30851086 (cited by 4 submitters); PubMed 35534218 (cited by Labcorp Genetics (formerly Invitae), Labcorp); PubMed 35534704 (cited by Labcorp Genetics (formerly Invitae), Labcorp); PubMed 36896836 (cited by Labcorp Genetics (formerly Invitae), Labcorp); PubMed 33309985 (cited by Women's Health and Genetics/Laboratory Corporation of America, LabCorp and Color Diagnostics, LLC DBA Color Health); PubMed 27959900 (cited by Color Diagnostics, LLC DBA Color Health); PubMed 35358259 (cited by Color Diagnostics, LLC DBA Color Health); PubMed 38136308 (cited by Color Diagnostics, LLC DBA Color Health).

NM_000051.4(ATM):c.8246A>T (p.Lys2749Ile)

Genes: ATM (ATM serine/threonine kinase; plus strand), C11orf65 (chromosome 11 open reading frame 65; minus strand). Cytogenetic location: 11q22.3.
Variant type: single nucleotide variant.
Coding change: c.8246A>T on transcript NM_000051.4 (MANE Select); coding-DNA position 8246, A replaced by T.
Protein change: p.Lys2749Ile; replaces lysine 2749 with isoleucine.
Molecular consequence: missense variant. On other transcripts: intron variant (2).
Genome position (GRCh38, 1-based): chr11:108,335,939, A>T. VCF-style: chr11-108335939-A-T. GRCh37 (hg19) VCF-style: chr11-108206666-A-T.
Other names: c.8246A>T, p.Lys2749Ile (NM_001351834.2); c.641-26868T>A (NM_001330368.2); c.695-647T>A (NM_001351110.2); short protein forms K2749I.
Identifiers: ClinVar variation 230416 (VCV000230416.32), dbSNP rs779145081, ClinGen allele CA6266322.